The following is an entry in ClinVar:

NM_001379286.1(ZNF423):c.3191A>G (p.Asn1064Ser)

Gene: ZNF423 (zinc finger protein 423; minus strand). Cytogenetic location: 16q12.1.
Variant type: single nucleotide variant.
Coding change: c.3191A>G on transcript NM_001379286.1 (MANE Select); coding-DNA position 3191, A replaced by G.
Protein change: p.Asn1064Ser; replaces asparagine 1064 with serine.
Molecular consequence: missense variant.
Genome position (GRCh38, 1-based): chr16:49,635,985, T>C on the plus strand (A>G on the coding strand, the complement: ZNF423 is on the minus strand). VCF-style: chr16-49635985-T-C. GRCh37 (hg19) VCF-style: chr16-49669896-T-C.
Other names: c.2987A>G, p.Asn996Ser (NM_001271620.2); c.2816A>G, p.Asn939Ser (NM_001330533.2); c.3167A>G, p.Asn1056Ser (NM_015069.5); c.3167A>G (NM_015069.2); short protein forms N1056S, N1064S, N939S, N996S.
Identifiers: ClinVar variation 1049230 (VCV001049230.7), dbSNP rs368041529, ClinGen allele CA8046369.

ClinVar aggregate classification (germline): Uncertain significance. Review status: criteria provided, multiple submitters, no conflicts (2 of 4 stars). 3 submissions from 3 submitters: Uncertain significance (2). 1 of the submissions does not count toward it. Last evaluated 2023-12-15.

Conditions:
Nephronophthisis 14 (NPHP14). Identifiers: Orphanet 2318, MedGen C3539071, MONDO:0013916, OMIM 614844.

Allele frequency attached by ClinVar (database versions not stated): ExAC 0.00001; gnomAD exomes 0.00002; TOPMed 0.00002; gnomAD 0.00003; ESP Exome Variant Server 0.00008.
gnomAD v4.1: 33 of 1,600,984 alleles (0.0021%); highest among the groups gnomAD compares: Middle Eastern, 0.033%; no homozygotes.

Submissions (3):

Ambry Genetics
Classification: Uncertain significance. Last evaluated: 2023-12-15. Review status: criteria provided, single submitter. Criteria: Ambry Variant Classification Scheme 2023. Collection method: clinical testing. Allele origin: germline.

Labcorp Genetics (formerly Invitae), Labcorp
Classification: Uncertain significance for Nephronophthisis 14. Last evaluated: 2022-08-04. Review status: criteria provided, single submitter. Criteria: Invitae Variant Classification Sherloc (09022015). Collection method: clinical testing. Allele origin: germline.
Comment: This sequence change replaces asparagine, which is neutral and polar, with serine, which is neutral and polar, at codon 1056 of the ZNF423 protein (p.Asn1056Ser). This variant is present in population databases (rs368041529, gnomAD 0.007%). This variant has not been reported in the literature in individuals affected with ZNF423-related conditions. ClinVar contains an entry for this variant (Variation ID: 1049230). Algorithms developed to predict the effect of missense changes on protein structure and function (SIFT, PolyPhen-2, Align-GVGD) all suggest that this variant is likely to be tolerated. Algorithms developed to predict the effect of sequence changes on RNA splicing suggest that this variant may create or strengthen a splice site. In summary, the available evidence is currently insufficient to determine the role of this variant in disease. Therefore, it has been classified as a Variant of Uncertain Significance.

Department of Pathology and Laboratory Medicine, Sinai Health System
Classification: Uncertain significance. Review status: no assertion criteria provided. Collection method: clinical testing. Allele origin: unknown. Affected: yes. Study: The Canadian Open Genetics Repository (COGR). Not counted in ClinVar's aggregate classification.
Comment: The ZNF423 p.Asn996Ser variant was not identified in the literature nor was it identified in ClinVar or Cosmic. The variant was identified in dbSNP (ID: rs368041529) and LOVD 3.0. The variant was also identified in control databases in 6 of 242352 chromosomes at a frequency of 0.000025 (Genome Aggregation Database Feb 27, 2017). The variant was observed in the following populations: South Asian in 2 of 28530 chromosomes (freq: 0.00007), African in 1 of 16022 chromosomes (freq: 0.000062), Latino in 1 of 34046 chromosomes (freq: 0.000029) and European (non-Finnish) in 2 of 109282 chromosomes (freq: 0.000018); it was not observed in the Ashkenazi Jewish, East Asian, European (Finnish), and Other populations. The p.Asn996 residue is conserved in mammals and computational analyses (PolyPhen-2, SIFT, AlignGVGD, BLOSUM, MutationTaster) provide inconsistent predictions regarding the impact to the protein; this information is not very predictive of pathogenicity. The variant occurs outside of the splicing consensus sequence and 2 of 4 in silico or computational prediction software programs (SpliceSiteFinder, MaxEntScan) predict a greater than 10% difference in splicing; this is not very predictive of pathogenicity. In summary, based on the above information the clinical significance of this variant cannot be determined with certainty at this time. This variant is classified as a variant of uncertain significance.